The following is an entry in ClinVar:

NM_001318777.2(TIRAP):c.-3G>A

Gene: TIRAP (TIR domain containing adaptor protein; plus strand). Cytogenetic location: 11q24.2.
Variant type: single nucleotide variant.
Coding change: c.-3G>A on transcript NM_001318777.2 (MANE Select); 3 bases upstream of the start codon, G replaced by A.
Molecular consequence: 5 prime UTR variant.
Genome position (GRCh38, 1-based): chr11:126,290,892, G>A. VCF-style: chr11-126290892-G-A. GRCh37 (hg19) VCF-style: chr11-126160787-G-A.
Other names: c.-3G>A (NM_001039661.2, NM_001318776.2, NM_148910.3).
Identifiers: ClinVar variation 3035367 (VCV003035367.3), dbSNP rs113042259, ClinGen allele CA6354539.

ClinVar aggregate classification (germline): Likely benign. Review status: criteria provided, single submitter (1 of 4 stars). 2 submissions from 2 submitters: Likely benign (1). 1 of the submissions does not count toward it. Last evaluated 2024-09-18.

Conditions:
TIRAP-related disorder. Also called: TIRAP-related condition.

Allele frequency attached by ClinVar (database versions not stated): gnomAD exomes 0.00010; ExAC 0.00031; TOPMed 0.00060; gnomAD 0.00062; ESP Exome Variant Server 0.00069; 1000 Genomes Project 0.00080; 1000 Genomes Project 30x 0.00094.

Submissions (2):

Blueprint Genetics
Classification: Likely benign. Last evaluated: 2024-09-18. Review status: criteria provided, single submitter. Criteria: ACMG Guidelines, 2015. Collection method: clinical testing. Allele origin: germline.

PreventionGenetics, part of Exact Sciences
Classification: Likely benign for TIRAP-related condition. Last evaluated: 2023-12-01. Review status: no assertion criteria provided. Collection method: clinical testing. Allele origin: germline. Not counted in ClinVar's aggregate classification.
Comment: This variant is classified as likely benign based on ACMG/AMP sequence variant interpretation guidelines (Richards et al. 2015 PMID: 25741868, with internal and published modifications).